The following is an entry in ClinVar:

ClinVar aggregate classification (germline): Uncertain significance (1 of 4 stars; one submission).

Conditions:
Severe early-onset pulmonary alveolar proteinosis due to MARS deficiency. Also called: PULMONARY ALVEOLAR PROTEINOSIS, REUNION ISLAND; Interstitial lung and liver disease. Identifiers: Orphanet 440427, MedGen C4225400, MONDO:0014206, OMIM 615486.
Charcot-Marie-Tooth disease axonal type 2U. Also called: CHARCOT-MARIE-TOOTH NEUROPATHY, TYPE 2U; CHARCOT-MARIE-TOOTH DISEASE, AXONAL, AUTOSOMAL DOMINANT, TYPE 2U. Identifiers: Orphanet 397735, MedGen C4084821, MONDO:0014566, OMIM 616280.

gnomAD v4.1: 3 of 1,612,792 alleles (0.00019%); highest among the groups gnomAD compares: Non-Finnish European, 0.00025%; no homozygotes.

Submission:

Labcorp Genetics (formerly Invitae), Labcorp
Classification: Uncertain significance for Charcot-Marie-Tooth disease axonal type 2U; Severe early-onset pulmonary alveolar proteinosis due to MARS deficiency. Last evaluated: 2025-12-15. Review status: criteria provided, single submitter. Criteria: Invitae Variant Classification Sherloc (09022015). Collection method: clinical testing. Allele origin: germline.
Comment: This sequence change falls in intron 8 of the MARS gene. It does not directly change the encoded amino acid sequence of the MARS protein. It affects a nucleotide within the consensus splice site. This variant is not present in population databases (gnomAD no frequency). This variant has not been reported in the literature in individuals affected with MARS-related conditions. ClinVar contains an entry for this variant (Variation ID: 3761058). Variants that disrupt the consensus splice site are a relatively common cause of aberrant splicing (PMID: 17576681, 9536098). Algorithms developed to predict the effect of sequence changes on RNA splicing suggest that this variant is not likely to affect RNA splicing. In summary, the available evidence is currently insufficient to determine the role of this variant in disease. Therefore, it has been classified as a Variant of Uncertain Significance.

Literature cited by the submitters: PubMed 17576681; PubMed 9536098.

NM_004990.4(MARS1):c.887+4G>T

Gene: MARS1 (methionyl-tRNA synthetase 1; plus strand). Cytogenetic location: 12q13.3.
Variant type: single nucleotide variant.
Coding change: c.887+4G>T on transcript NM_004990.4 (MANE Select); 4 bases into the intron after coding-DNA position 887, G replaced by T.
Molecular consequence: intron variant.
Genome position (GRCh38, 1-based): chr12:57,498,277, G>T. VCF-style: chr12-57498277-G-T. GRCh37 (hg19) VCF-style: chr12-57892060-G-T.
Identifiers: ClinVar variation 3761058 (VCV003761058.2).